The following is an entry in ClinVar:

ClinVar aggregate classification (germline): Uncertain significance (1 of 4 stars; one submission).

Conditions:
Epidermolysis bullosa simplex 5B, with muscular dystrophy (EBS5B). Also called: Epidermolysis bullosa simplex with muscular dystrophy; EPIDERMOLYSIS BULLOSA SIMPLEX AND LIMB-GIRDLE MUSCULAR DYSTROPHY. Identifiers: Orphanet 257, MedGen C2931072, MONDO:0009181, OMIM 226670.
Epidermolysis bullosa simplex 5C, with pyloric atresia (EBS5C). Also called: PLEC1-Related Epidermolysis Bullosa with Pyloric Atresia; PLEC-Related Epidermolysis Bullosa with Pyloric Atresia; Epidermolysis bullosa simplex with pyloric atresia. Identifiers: Orphanet 158684, MedGen C2677349, MONDO:0012807, OMIM 612138.
Autosomal recessive limb-girdle muscular dystrophy type 2Q (LGMDR17). Also called: MUSCULAR DYSTROPHY, LIMB-GIRDLE, AUTOSOMAL RECESSIVE 17. Identifiers: Orphanet 254361, MedGen C3150989, MONDO:0013390, OMIM 613723.
Epidermolysis bullosa simplex, Ogna type (EBS5A). Also called: Pidermolysis bullosa simplex 5A, Ogna type; EPIDERMOLYSIS BULLOSA SIMPLEX 5A, OGNA TYPE. Identifiers: Orphanet 79401, MedGen C0432317, MONDO:0007555, OMIM 131950.
Epidermolysis bullosa simplex with nail dystrophy (EBS5D). Identifiers: MedGen C4225309, MONDO:0014661, OMIM 616487.

Submission:

Labcorp Genetics (formerly Invitae), Labcorp
Classification: Uncertain significance for Autosomal recessive limb-girdle muscular dystrophy type 2Q; Epidermolysis bullosa simplex, Ogna type; Epidermolysis bullosa simplex with nail dystrophy; Epidermolysis bullosa simplex 5C, with pyloric atresia; Epidermolysis bullosa simplex 5B, with muscular dystrophy. Last evaluated: 2021-12-01. Review status: criteria provided, single submitter. Criteria: Invitae Variant Classification Sherloc (09022015). Collection method: clinical testing. Allele origin: germline.
Comment: In summary, the available evidence is currently insufficient to determine the role of this variant in disease. Therefore, it has been classified as a Variant of Uncertain Significance. Algorithms developed to predict the effect of missense changes on protein structure and function are either unavailable or do not agree on the potential impact of this missense change (SIFT: "Deleterious"; PolyPhen-2: "Not Available"; Align-GVGD: "Class C55"). This variant has not been reported in the literature in individuals affected with PLEC-related conditions. This variant is not present in population databases (gnomAD no frequency). This sequence change replaces alanine, which is neutral and non-polar, with glycine, which is neutral and non-polar, at codon 1728 of the PLEC protein (p.Ala1728Gly).

NM_201384.3(PLEC):c.5102C>G (p.Ala1701Gly)

Gene: PLEC (plectin; minus strand). Cytogenetic location: 8q24.3.
Variant type: single nucleotide variant.
Coding change: c.5102C>G on transcript NM_201384.3 (MANE Select); coding-DNA position 5102, C replaced by G.
Protein change: p.Ala1701Gly; replaces alanine 1701 with glycine.
Molecular consequence: missense variant.
Genome position (GRCh38, 1-based): chr8:143,924,827, G>C on the plus strand (C>G on the coding strand, the complement: PLEC is on the minus strand). VCF-style: chr8-143924827-G-C. GRCh37 (hg19) VCF-style: chr8-144998995-G-C.
Other names: c.5183C>G, p.Ala1728Gly (NM_000445.5); c.5060C>G, p.Ala1687Gly (NM_201378.4); c.5036C>G, p.Ala1679Gly (NM_201379.3); c.5513C>G, p.Ala1838Gly (NM_201380.4); c.5006C>G, p.Ala1669Gly (NM_201381.3); c.5102C>G, p.Ala1701Gly (NM_201382.4); c.5114C>G, p.Ala1705Gly (NM_201383.3); short protein forms A1728G, A1669G, A1679G, A1838G, A1687G, A1701G, A1705G.
Identifiers: ClinVar variation 1395954 (VCV001395954.6), dbSNP rs782656542, ClinGen allele CA372549682.